The following is an entry in ClinVar:

NM_000540.3(RYR1):c.13225A>G (p.Ser4409Gly)

Gene: RYR1 (ryanodine receptor 1; plus strand). Cytogenetic location: 19q13.2.
Variant type: single nucleotide variant.
Coding change: c.13225A>G on transcript NM_000540.3 (MANE Select); coding-DNA position 13225, A replaced by G.
Protein change: p.Ser4409Gly; replaces serine 4409 with glycine.
Molecular consequence: missense variant.
Genome position (GRCh38, 1-based): chr19:38,565,559, A>G. VCF-style: chr19-38565559-A-G. GRCh37 (hg19) VCF-style: chr19-39056199-A-G.
Other names: c.13210A>G, p.Ser4404Gly (NM_001042723.2); c.13225A>G (NM_000540.2); short protein forms S4404G, S4409G.
Identifiers: ClinVar variation 1395905 (VCV001395905.6), dbSNP rs1211340506, ClinGen allele CA405674465.
Genomic context (GRCh38, chr19:38,565,559, plus strand): 5'-GACGAGGTGCACGGCGAGCAGCCGGCCGGGCCGGGCGGAGACGCAGACGGCGAGGGTGCC[A>G]GCGAGGGCGCTGGAGACGCCGCGGAGGGCGCTGGAGACGAGGAGGAGGCGGTGCACGAGG-3'
Protein context (NP_000531.2, residues 4399-4419): PGGDADGEGA[Ser4409Gly]EGAGDAAEGA

ClinVar aggregate classification (germline): Conflicting classifications of pathogenicity. Review status: criteria provided, conflicting classifications (1 of 4 stars). 2 submissions from 2 submitters: Uncertain significance (1); Likely benign (1). Last evaluated 2024-01-18.

Conditions:
Inborn genetic diseases. Identifiers: MedGen C0950123, MeSH D030342.
RYR1-related disorder. Also called: RYR1-related condition; RYR1-related disorders. Identifiers: MedGen CN239331.

Allele frequency attached by ClinVar (database versions not stated): gnomAD 0.00001 and 0.00002; TOPMed 0.00002.
gnomAD v4.1: 7 of 1,484,150 alleles (0.00047%); highest among the groups gnomAD compares: African/African-American, 0.0015%; no homozygotes.

Submissions (2):

Labcorp Genetics (formerly Invitae), Labcorp
Classification: Uncertain significance for RYR1-related disorder. Last evaluated: 2024-01-18. Review status: criteria provided, single submitter. Criteria: Invitae Variant Classification Sherloc (09022015). Collection method: clinical testing. Allele origin: germline.
Comment: This sequence change replaces serine, which is neutral and polar, with glycine, which is neutral and non-polar, at codon 4409 of the RYR1 protein (p.Ser4409Gly). This variant is present in population databases (no rsID available, gnomAD 0.007%). This variant has not been reported in the literature in individuals affected with RYR1-related conditions. ClinVar contains an entry for this variant (Variation ID: 1395905). Advanced modeling of protein sequence and biophysical properties (such as structural, functional, and spatial information, amino acid conservation, physicochemical variation, residue mobility, and thermodynamic stability) performed at Invitae indicates that this missense variant is not expected to disrupt RYR1 protein function with a negative predictive value of 95%. In summary, the available evidence is currently insufficient to determine the role of this variant in disease. Therefore, it has been classified as a Variant of Uncertain Significance.

Ambry Genetics
Classification: Likely benign for Inborn genetic diseases. Last evaluated: 2023-08-02. Review status: criteria provided, single submitter. Criteria: Ambry Variant Classification Scheme 2023. Collection method: clinical testing. Allele origin: germline.